The following is an entry in ClinVar:

NM_000443.4(ABCB4):c.1621A>C (p.Ile541Leu)

Gene: ABCB4 (ATP binding cassette subfamily B member 4; minus strand). Cytogenetic location: 7q21.12.
Variant type: single nucleotide variant.
Coding change: c.1621A>C on transcript NM_000443.4 (MANE Select); coding-DNA position 1621, A replaced by C.
Protein change: p.Ile541Leu; replaces isoleucine 541 with leucine.
Molecular consequence: missense variant.
Genome position (GRCh38, 1-based): chr7:87,439,777, T>G on the plus strand (A>C on the coding strand, the complement: ABCB4 is on the minus strand). VCF-style: chr7-87439777-T-G. GRCh37 (hg19) VCF-style: chr7-87069093-T-G.
Other names: c.1621A>C, p.Ile541Leu (NM_018849.3, NM_018850.3); short protein forms I541L.
Identifiers: ClinVar variation 3354779 (VCV003354779.2).

ClinVar aggregate classification (germline): Uncertain significance. Review status: criteria provided, single submitter (1 of 4 stars). 2 submissions from 2 submitters: Uncertain significance (1). 1 of the submissions does not count toward it. Last evaluated 2026-01-20.

Conditions:
ABCB4-related disorder. Also called: ABCB4-related disorders; ABCB4-related condition.

Submissions (2):

Women's Health and Genetics/Laboratory Corporation of America, LabCorp
Classification: Uncertain significance. Last evaluated: 2026-01-20. Review status: criteria provided, single submitter. Criteria: LabCorp Variant Classification Summary - May 2015. Collection method: clinical testing. Allele origin: germline.
Comment: Variant summary: ABCB4 c.1621A>C (p.Ile541Leu) results in a conservative amino acid change in the encoded protein sequence. Algorithms developed to predict the effect of missense changes on protein structure and function are either unavailable or do not agree on the potential impact of this missense change. The variant was absent in 251294 control chromosomes. The available data on variant occurrences in the general population are insufficient to allow any conclusion about variant significance. To our knowledge, no occurrence of c.1621A>C in individuals affected with ABCB4-related conditions and no experimental evidence demonstrating its impact on protein function have been reported. ClinVar contains an entry for this variant (Variation ID: 3354779). Based on the evidence outlined above, the variant was classified as uncertain significance.

PreventionGenetics, part of Exact Sciences
Classification: Uncertain significance for ABCB4-related condition. Last evaluated: 2024-05-21. Review status: no assertion criteria provided. Collection method: clinical testing. Allele origin: germline. Not counted in ClinVar's aggregate classification.
Comment: The ABCB4 c.1621A>C variant is predicted to result in the amino acid substitution p.Ile541Leu. To our knowledge, this variant has not been reported in the literature or in a large population database, indicating this variant is rare. A different nucleotide substitution affecting the same amino acid (p.Ile541Phe) has been reported in individuals with cholelithiasis, and functional studies showed that the p.Ile541Phe variant results in endoplasmic reticulum retention (Jacquemin et al. 2001. PubMed ID: 11313315; Poupon et al. 2013. PubMed ID: 23533021; Delaunay et al. 2016. PubMed ID: 26474921). At this time, the clinical significance of the c.1621A>C (p.Ile541Leu) variant is uncertain due to the absence of conclusive functional and genetic evidence.